The following is an entry in ClinVar:

NM_018979.4(WNK1):c.3372+67G>A

Gene: WNK1 (WNK lysine deficient protein kinase 1; plus strand). Cytogenetic location: 12p13.33.
Variant type: single nucleotide variant.
Coding change: c.3372+67G>A on transcript NM_018979.4 (MANE Select); 67 bases into the intron after coding-DNA position 3372, G replaced by A.
Molecular consequence: intron variant.
Genome position (GRCh38, 1-based): chr12:882,140, G>A. VCF-style: chr12-882140-G-A. GRCh37 (hg19) VCF-style: chr12-991306-G-A.
Other names: c.4128+67G>A (NM_213655.5); c.4152+67G>A (NM_001184985.2); c.2631+67G>A (NM_014823.3).
Identifiers: ClinVar variation 670865 (VCV000670865.2), dbSNP rs55726687, ClinGen allele CA13680452.
Genomic context (GRCh38, chr12:882,140, plus strand): 5'-ATTCCTAATTTGTGAGTTTCATGTTGTTAAAGGAATTTGACACTGAAAAAGATTTTAGAG[G>A]TCATCAAATCCAAACCACTCACTTCATAAAATAAAGATAACTATCTGTGTGTGACAGATA-3'

ClinVar aggregate classification (germline): Benign. Review status: criteria provided, multiple submitters, no conflicts (2 of 4 stars). 2 submissions from 2 submitters: Benign (2). Last evaluated 2018-06-19.

Allele frequency attached by ClinVar (database versions not stated): 1000 Genomes Project 30x 0.14959; 1000 Genomes Project 0.15156; TOPMed 0.16528; gnomAD 0.16763 and 0.16890.
gnomAD v4.1: 292,920 of 1,490,146 alleles (20%); highest among the groups gnomAD compares: Admixed American, 26%; 30,724 homozygotes.

Submissions (2):

GeneDx
Classification: Benign. Last evaluated: 2018-06-19. Review status: criteria provided, single submitter. Criteria: GeneDx Variant Classification (06012015). Collection method: clinical testing. Allele origin: germline. Affected: yes.
Comment: This variant is considered likely benign or benign based on one or more of the following criteria: it is a conservative change, it occurs at a poorly conserved position in the protein, it is predicted to be benign by multiple in silico algorithms, and/or has population frequency not consistent with disease.

Breakthrough Genomics
Classification: Benign. Review status: criteria provided, single submitter. Criteria: ACMG Guidelines, 2015. Collection method: not provided. Allele origin: germline. Inheritance: Autosomal recessive inheritance. Affected: yes.